The following is an entry in ClinVar:

NM_001304438.2(TMEM132E):c.2095C>T (p.Arg699Trp)

Gene: TMEM132E (transmembrane protein 132E; plus strand). Cytogenetic location: 17q12.
Variant type: single nucleotide variant.
Coding change: c.2095C>T on transcript NM_001304438.2 (MANE Select); coding-DNA position 2095, C replaced by T.
Protein change: p.Arg699Trp; replaces arginine 699 with tryptophan.
Molecular consequence: missense variant.
Genome position (GRCh38, 1-based): chr17:34,636,124, C>T. VCF-style: chr17-34636124-C-T. GRCh37 (hg19) VCF-style: chr17-32963143-C-T.
Other names: short protein forms R699W.
Identifiers: ClinVar variation 4981788 (VCV004981788.1).
Genomic context (GRCh38, chr17:34,636,124, plus strand): 5'-GAGAAGGTCAGCATCACACAGCTTCAGGCCCAGGTGGTGGCCAGCCTGGCCCTCTCCCTG[C>T]GGCCCAGCCCTGGGAGCAGCCACACCATCCTAGCCACCACAGCTGCCCAACAGACCTTGA-3'
Protein context (NP_001291367.1, residues 689-709): QVVASLALSL[Arg699Trp]PSPGSSHTIL

ClinVar aggregate classification (germline): Uncertain significance (1 of 4 stars; one submission).

Conditions:
TMEM132E-related disorder. Also called: TMEM132E-related condition.

Submission:

PreventionGenetics, part of Exact Sciences
Classification: Uncertain significance for TMEM132E-related condition. Last evaluated: 2026-06-10. Review status: criteria provided, single submitter. Criteria: ACMG Guidelines, 2015. Collection method: clinical testing. Allele origin: germline.
Comment: The TMEM132E c.2095C>T variant is predicted to result in the amino acid substitution p.Arg699Trp. To our knowledge, this variant has not been reported in the literature. This variant is reported in 0.0043% of alleles in individuals of African descent in gnomAD. At this time, the clinical significance of this variant is uncertain due to the absence of conclusive functional and genetic evidence.